The following is an entry in ClinVar:

ClinVar aggregate classification (germline): Likely benign (1 of 4 stars; one submission).

Submission:

CeGaT Center for Human Genetics Tuebingen
Classification: Likely benign. Last evaluated: 2025-09-01. Review status: criteria provided, single submitter. Criteria: CeGaT Center For Human Genetics Tuebingen Variant Classification Criteria Version 2. Collection method: clinical testing. Allele origin: germline. Affected: yes. Observed: 1 variant allele.
Comment: HERC2: BP4, BP7

NM_004667.6(HERC2):c.6840G>C (p.Leu2280=)

Gene: HERC2 (HECT and RLD domain containing E3 ubiquitin protein ligase 2; minus strand). Cytogenetic location: 15q13.1.
Variant type: single nucleotide variant.
Coding change: c.6840G>C on transcript NM_004667.6 (MANE Select); coding-DNA position 6840, G replaced by C.
Protein change: p.Leu2280=; no amino-acid change (leucine 2280 retained).
Molecular consequence: synonymous variant.
Genome position (GRCh38, 1-based): chr15:28,212,530, C>G on the plus strand (G>C on the coding strand, the complement: HERC2 is on the minus strand). VCF-style: chr15-28212530-C-G. GRCh37 (hg19) VCF-style: chr15-28457676-C-G.
Identifiers: ClinVar variation 4281297 (VCV004281297.7).